The following is an entry in ClinVar:

ClinVar aggregate classification (germline): Uncertain significance (1 of 4 stars; one submission).

Conditions:
PLXNA1-related disorder. Also called: PLXNA1-related condition.

Allele frequency attached by ClinVar (database versions not stated): gnomAD 0.00001; TOPMed 0.00001; ExAC 0.00002; gnomAD exomes 0.00002.
gnomAD v4.1: 32 of 1,613,596 alleles (0.002%); highest among the groups gnomAD compares: African/African-American, 0.0027%; no homozygotes.

Submission:

PreventionGenetics, part of Exact Sciences
Classification: Uncertain significance for PLXNA1-related condition. Last evaluated: 2023-03-29. Review status: criteria provided, single submitter. Criteria: ACMG Guidelines, 2015. Collection method: clinical testing. Allele origin: germline.
Comment: The PLXNA1 c.3035G>A variant is predicted to result in the amino acid substitution p.Arg1012Gln. To our knowledge, this variant has not been reported in the literature. This variant is reported in 0.0093% of alleles in individuals of European (Finnish) descent in gnomAD. At this time, the clinical significance of this variant is uncertain due to the absence of conclusive functional and genetic evidence.

NM_032242.4(PLXNA1):c.3035G>A (p.Arg1012Gln)

Gene: PLXNA1 (plexin A1; plus strand). Cytogenetic location: 3q21.3.
Variant type: single nucleotide variant.
Coding change: c.3035G>A on transcript NM_032242.4 (MANE Select); coding-DNA position 3035, G replaced by A.
Protein change: p.Arg1012Gln; replaces arginine 1012 with glutamine.
Molecular consequence: missense variant.
Genome position (GRCh38, 1-based): chr3:127,016,537, G>A. VCF-style: chr3-127016537-G-A. GRCh37 (hg19) VCF-style: chr3-126735380-G-A.
Other names: short protein forms R1012Q.
Identifiers: ClinVar variation 2634519 (VCV002634519.1), dbSNP rs780772556, ClinGen allele CA2593875.